The following is an entry in ClinVar:

ClinVar aggregate classification (germline): Uncertain significance. Review status: criteria provided, multiple submitters, no conflicts (2 of 4 stars). 2 submissions from 2 submitters: Uncertain significance (2). Last evaluated 2023-01-26.

Conditions:
Inborn genetic diseases. Identifiers: MedGen C0950123, MeSH D030342.
Cone-rod dystrophy 13 (CORD13). Identifiers: Orphanet 1872, MedGen C2750720, MONDO:0011987, OMIM 608194.
Leber congenital amaurosis 6 (LCA6). Identifiers: Orphanet 65, MedGen C1854260, MONDO:0013446, OMIM 613826.

Allele frequency attached by ClinVar (database versions not stated): gnomAD exomes below 0.00001.
gnomAD v4.1: 1 of 1,610,712 alleles (0.000062%); highest among the groups gnomAD compares: Non-Finnish European, 0.000085%; no homozygotes.

Submissions (2):

Ambry Genetics
Classification: Uncertain significance for Inborn genetic diseases. Last evaluated: 2023-01-26. Review status: criteria provided, single submitter. Criteria: Ambry Variant Classification Scheme 2023. Collection method: clinical testing. Allele origin: germline.

Labcorp Genetics (formerly Invitae), Labcorp
Classification: Uncertain significance for Leber congenital amaurosis 6; Cone-rod dystrophy 13. Last evaluated: 2022-05-05. Review status: criteria provided, single submitter. Criteria: Invitae Variant Classification Sherloc (09022015). Collection method: clinical testing. Allele origin: germline.
Comment: This variant is not present in population databases (gnomAD no frequency). In summary, the available evidence is currently insufficient to determine the role of this variant in disease. Therefore, it has been classified as a Variant of Uncertain Significance. Algorithms developed to predict the effect of missense changes on protein structure and function output the following: SIFT: "Deleterious"; PolyPhen-2: "Benign"; Align-GVGD: "Class C0". The phenylalanine amino acid residue is found in multiple mammalian species, which suggests that this missense change does not adversely affect protein function. This variant has not been reported in the literature in individuals affected with RPGRIP1-related conditions. This sequence change replaces leucine, which is neutral and non-polar, with phenylalanine, which is neutral and non-polar, at codon 323 of the RPGRIP1 protein (p.Leu323Phe).

NM_020366.4(RPGRIP1):c.967C>T (p.Leu323Phe)

Gene: RPGRIP1 (RPGR interacting protein 1; plus strand). Cytogenetic location: 14q11.2.
Variant type: single nucleotide variant.
Coding change: c.967C>T on transcript NM_020366.4 (MANE Select); coding-DNA position 967, C replaced by T.
Protein change: p.Leu323Phe; replaces leucine 323 with phenylalanine.
Molecular consequence: missense variant.
Genome position (GRCh38, 1-based): chr14:21,311,860, C>T. VCF-style: chr14-21311860-C-T. GRCh37 (hg19) VCF-style: chr14-21780019-C-T.
Other names: c.967C>T (NM_020366.3); short protein forms L323F.
Identifiers: ClinVar variation 1936285 (VCV001936285.7), dbSNP rs2502733471, ClinGen allele CA388862199.
Genomic context (GRCh38, chr14:21,311,860, plus strand): 5'-AGAGGTACTTTCCTTTTGACCCAGAATCAGGGAATCCTGAGTGCAGCCCATGAGGCCCTC[C>T]TCAAGCAAGTGAATGAGCTCAGGGCAGAGCTGAAGGAAGAAAGCAAGAAGGCTGTGAGCT-3'
Protein context (NP_065099.3, residues 313-333): GILSAAHEAL[Leu323Phe]KQVNELRAEL